The following is an entry in ClinVar:

ClinVar aggregate classification (germline): Conflicting classifications of pathogenicity. Review status: criteria provided, conflicting classifications (1 of 4 stars). 4 submissions from 4 submitters: Uncertain significance (3); Likely benign (1). Last evaluated 2026-01-26.

Conditions:
Hereditary cancer-predisposing syndrome. Also called: Neoplastic Syndromes, Hereditary; Tumor predisposition; Hereditary Cancer Syndrome; Hereditary neoplastic syndrome. Identifiers: Orphanet 140162, MedGen C0027672, MeSH D009386, MONDO:0015356.
Retinoblastoma (RB1). Also called: RETINOBLASTOMA, SOMATIC. Identifiers: Orphanet 790, MedGen C0035335, MeSH D012175, MONDO:0008380, OMIM 180200, HP:0009919. Disease mechanism: loss of function. Inheritance: Both sporadic and heritable forms are tested..

Allele frequency attached by ClinVar (database versions not stated): TOPMed below 0.00001.

Submissions (4):

Labcorp Genetics (formerly Invitae), Labcorp
Classification: Likely benign for Retinoblastoma. Last evaluated: 2026-01-26. Review status: criteria provided, single submitter. Criteria: Invitae Variant Classification Sherloc (09022015). Collection method: clinical testing. Allele origin: germline.

All of Us Research Program, National Institutes of Health
Classification: Uncertain significance for Retinoblastoma. Last evaluated: 2024-06-11. Review status: criteria provided, single submitter. Criteria: ACMG Guidelines, 2015. Collection method: clinical testing. Allele origin: germline. Inheritance: Autosomal dominant inheritance. Observed: 3 variant alleles, 3 heterozygotes.
Comment: This missense variant replaces methionine with isoleucine at codon 904 of the RB1 protein. Computational prediction suggests that this variant may not impact protein structure and function (internally defined REVEL score threshold <= 0.5, PMID: 27666373). To our knowledge, functional studies have not been reported for this variant. This variant has not been reported in individuals affected with RB1-related disorders in the literature. This variant has not been identified in the general population by the Genome Aggregation Database (gnomAD). The available evidence is insufficient to determine the role of this variant in disease conclusively. Therefore, this variant is classified as a Variant of Uncertain Significance.

This study involves interpretation of variants in research participants for the purpose of population health screening. Participant phenotype was not available at the time of variant classification. Additional details can be found in publication PMID: 35346344, PMCID: PMC8962531

Ambry Genetics
Classification: Uncertain significance for Hereditary cancer-predisposing syndrome. Last evaluated: 2024-04-28. Review status: criteria provided, single submitter. Criteria: Ambry Variant Classification Scheme 2023. Collection method: clinical testing. Allele origin: germline.
Comment: The p.M904I variant (also known as c.2712G>T), located in coding exon 26 of the RB1 gene, results from a G to T substitution at nucleotide position 2712. The methionine at codon 904 is replaced by isoleucine, an amino acid with highly similar properties. This amino acid position is highly conserved in available vertebrate species. In addition, the in silico prediction for this alteration is inconclusive. Since supporting evidence is limited at this time, the clinical significance of this alteration remains unclear.

Color Diagnostics, LLC DBA Color Health
Classification: Uncertain significance for Retinoblastoma. Last evaluated: 2024-02-14. Review status: criteria provided, single submitter. Criteria: ACMG Guidelines, 2015. Collection method: clinical testing. Allele origin: germline.
Comment: This missense variant replaces methionine with isoleucine at codon 904 of the RB1 protein. Computational prediction suggests that this variant may not impact protein structure and function. To our knowledge, functional studies have not been reported for this variant. This variant has not been reported in individuals affected with RB1-related disorders in the literature. This variant has not been identified in the general population by the Genome Aggregation Database (gnomAD). The available evidence is insufficient to determine the role of this variant in disease conclusively. Therefore, this variant is classified as a Variant of Uncertain Significance.

NM_000321.3(RB1):c.2712G>T (p.Met904Ile)

Gene: RB1 (RB transcriptional corepressor 1; plus strand). Cytogenetic location: 13q14.2.
Variant type: single nucleotide variant.
Coding change: c.2712G>T on transcript NM_000321.3 (MANE Select); coding-DNA position 2712, G replaced by T.
Protein change: p.Met904Ile; replaces methionine 904 with isoleucine.
Molecular consequence: missense variant.
Genome position (GRCh38, 1-based): chr13:48,477,403, G>T. VCF-style: chr13-48477403-G-T. GRCh37 (hg19) VCF-style: chr13-49051539-G-T.
Other names: short protein forms M904I.
Identifiers: ClinVar variation 458159 (VCV000458159.19), dbSNP rs1461167778, ClinGen allele CA388157943.